The following is an entry in ClinVar:

ClinVar aggregate classification (germline): Benign. Review status: criteria provided, multiple submitters, no conflicts (2 of 4 stars). 3 submissions from 3 submitters: Benign (2). 1 of the submissions does not count toward it. Last evaluated 2018-06-29.

Conditions:
Citrullinemia type I (CTNL1). Also called: argininosuccinate synthetase deficiency; ASS DEFICIENCY. Identifiers: Orphanet 247525, MedGen C4721769, MONDO:0008988, OMIM 215700.

Allele frequency attached by ClinVar (database versions not stated): 1000 Genomes Project 30x 0.17786; TOPMed 0.18953; 1000 Genomes Project 0.17073; gnomAD 0.18565.
gnomAD v4.1: 27,967 of 151,748 alleles (18%); highest among the groups gnomAD compares: Admixed American, 20%; 2,650 homozygotes.

Submissions (3):

GeneDx
Classification: Benign. Last evaluated: 2018-06-29. Review status: criteria provided, single submitter. Criteria: GeneDx Variant Classification Process June 2021. Collection method: clinical testing. Allele origin: germline. Affected: yes.

Illumina Laboratory Services, Illumina
Classification: Benign for Citrullinemia type I. Last evaluated: 2018-01-13. Review status: criteria provided, single submitter. Criteria: ICSL Variant Classification Criteria 13 December 2019. Collection method: clinical testing. Allele origin: germline.
Comment: This variant was observed in the ICSL laboratory as part of a predisposition screen in an ostensibly healthy population. It had not been previously curated by ICSL or reported in the Human Gene Mutation Database (HGMD: prior to June 1st, 2018), and was therefore a candidate for classification through an automated scoring system. Utilizing variant allele frequency, disease prevalence and penetrance estimates, and inheritance mode, an automated score was calculated to assess if this variant is too frequent to cause the disease. Based on the score and internal cut-off values, a variant classified as benign is not then subjected to further curation. The score for this variant resulted in a classification of benign for this disease.

Natera, Inc.
Classification: Benign for Citrullinemia. Last evaluated: 2019-05-20. Review status: no assertion criteria provided. Collection method: clinical testing. Allele origin: germline. Not counted in ClinVar's aggregate classification.

NM_000050.4(ASS1):c.-323G>T

Gene: ASS1 (argininosuccinate synthase 1; plus strand). Cytogenetic location: 9q34.11.
Variant type: single nucleotide variant.
Coding change: c.-323G>T on transcript NM_000050.4; 323 bases upstream of the start codon, G replaced by T.
Molecular consequence: 5 prime UTR variant.
Genome position (GRCh38, 1-based): chr9:130,444,740, G>T. VCF-style: chr9-130444740-G-T. GRCh37 (hg19) VCF-style: chr9-133320127-G-T.
Identifiers: ClinVar variation 365240 (VCV000365240.9), dbSNP rs2071367, ClinGen allele CA10632837.